The following is an entry in ClinVar:

NM_005188.4(CBL):c.1564-3C>T

Gene: CBL (Cbl proto-oncogene; plus strand). Cytogenetic location: 11q23.3.
Variant type: single nucleotide variant.
Coding change: c.1564-3C>T on transcript NM_005188.4 (MANE Select); 3 bases into the intron before coding-DNA position 1564, C replaced by T.
Molecular consequence: intron variant.
Genome position (GRCh38, 1-based): chr11:119,285,186, C>T. VCF-style: chr11-119285186-C-T. GRCh37 (hg19) VCF-style: chr11-119155896-C-T.
Identifiers: ClinVar variation 543982 (VCV000543982.8), dbSNP rs1555230585, ClinGen allele CA658797815.

ClinVar aggregate classification (germline): Uncertain significance (1 of 4 stars; one submission).

Conditions:
RASopathy. Also called: Noonan spectrum disorder; rasopathies. Identifiers: Orphanet 536391, MedGen C5555857, MONDO:0021060.

Allele frequency attached by ClinVar (database versions not stated): gnomAD exomes 0.00001.
gnomAD v4.1: 9 of 1,614,194 alleles (0.00056%); highest among the groups gnomAD compares: Non-Finnish European, 0.00076%; no homozygotes.

Submission:

Labcorp Genetics (formerly Invitae), Labcorp
Classification: Uncertain significance for RASopathy. Last evaluated: 2024-06-28. Review status: criteria provided, single submitter. Criteria: Invitae Variant Classification Sherloc (09022015). Collection method: clinical testing. Allele origin: germline.
Comment: This sequence change falls in intron 10 of the CBL gene. It does not directly change the encoded amino acid sequence of the CBL protein. It affects a nucleotide within the consensus splice site. This variant is not present in population databases (gnomAD no frequency). This variant has not been reported in the literature in individuals affected with CBL-related conditions. ClinVar contains an entry for this variant (Variation ID: 543982). Variants that disrupt the consensus splice site are a relatively common cause of aberrant splicing (PMID: 17576681, 9536098). Algorithms developed to predict the effect of sequence changes on RNA splicing suggest that this variant is not likely to affect RNA splicing. In summary, the available evidence is currently insufficient to determine the role of this variant in disease. Therefore, it has been classified as a Variant of Uncertain Significance.

Literature cited by the submitters: PubMed 17576681; PubMed 9536098.